The following is an entry in ClinVar:

NM_003118.4(SPARC):c.212C>A (p.Pro71His)

Gene: SPARC (secreted protein acidic and cysteine rich; minus strand). Cytogenetic location: 5q33.1.
Variant type: single nucleotide variant.
Coding change: c.212C>A on transcript NM_003118.4 (MANE Select); coding-DNA position 212, C replaced by A.
Protein change: p.Pro71His; replaces proline 71 with histidine.
Molecular consequence: missense variant.
Genome position (GRCh38, 1-based): chr5:151,671,691, G>T on the plus strand (C>A on the coding strand, the complement: SPARC is on the minus strand). VCF-style: chr5-151671691-G-T. GRCh37 (hg19) VCF-style: chr5-151051252-G-T.
Other names: p.Pro71His; c.209C>A, p.Pro70His (NM_001309443.2); c.212C>A, p.Pro71His (NM_001309444.2); short protein forms P70H, P71H.
Identifiers: ClinVar variation 1509891 (VCV001509891.4), dbSNP rs199591638, ClinGen allele CA3522765.
Genomic context (GRCh38, chr5:151,671,691, plus strand): 5'-GGGGTGTTGTTCTCATCCAGCTCGCACACCTTGCCGTGTTTGCAGTGGTGGTTCTGGCAG[G>T]GATCTGTAGGGCAGAAAGACAAGGGAGTTAGCATCACCTGGACTAGCACATCCACCCCCA-3'
Protein context (NP_003109.1, residues 61-81): ETEEEVVAEN[Pro71His]CQNHHCKHGK

ClinVar aggregate classification (germline): Uncertain significance. Review status: criteria provided, multiple submitters, no conflicts (2 of 4 stars). 2 submissions from 2 submitters: Uncertain significance (2). Last evaluated 2025-12-06.

Allele frequency attached by ClinVar (database versions not stated): gnomAD 0.00008.
gnomAD v4.1: 95 of 1,613,476 alleles (0.0059%); highest among the groups gnomAD compares: Non-Finnish European, 0.0076%; 1 homozygote.

Submissions (2):

Mayo Clinic Laboratories, Mayo Clinic
Classification: Uncertain significance. Last evaluated: 2025-12-06. Review status: criteria provided, single submitter. Criteria: ACMG Guidelines, 2015. Collection method: clinical testing. Allele origin: germline. Observed: 1 variant allele.

Labcorp Genetics (formerly Invitae), Labcorp
Classification: Uncertain significance. Last evaluated: 2022-07-30. Review status: criteria provided, single submitter. Criteria: Invitae Variant Classification Sherloc (09022015). Collection method: clinical testing. Allele origin: germline.
Comment: This sequence change replaces proline, which is neutral and non-polar, with histidine, which is basic and polar, at codon 71 of the SPARC protein (p.Pro71His). This variant is present in population databases (rs199591638, gnomAD 0.02%). This variant has not been reported in the literature in individuals affected with SPARC-related conditions. ClinVar contains an entry for this variant (Variation ID: 1509891). Algorithms developed to predict the effect of missense changes on protein structure and function are either unavailable or do not agree on the potential impact of this missense change (SIFT: "Deleterious"; PolyPhen-2: "Probably Damaging"; Align-GVGD: "Class C0"). In summary, the available evidence is currently insufficient to determine the role of this variant in disease. Therefore, it has been classified as a Variant of Uncertain Significance.